The following is an entry in ClinVar:

NM_000264.5(PTCH1):c.2888-3C>G

Gene: PTCH1 (patched 1; minus strand). Cytogenetic location: 9q22.32.
Variant type: single nucleotide variant.
Coding change: c.2888-3C>G on transcript NM_000264.5 (MANE Select); 3 bases into the intron before coding-DNA position 2888, C replaced by G.
Molecular consequence: intron variant.
Genome position (GRCh38, 1-based): chr9:95,458,296, G>C on the plus strand (C>G on the coding strand, the complement: PTCH1 is on the minus strand). VCF-style: chr9-95458296-G-C. GRCh37 (hg19) VCF-style: chr9-98220578-G-C.
Other names: c.2885-3C>G (NM_001083603.3); c.2690-3C>G (NM_001083602.3); c.2732-3C>G (NM_001354918.2); c.2435-3C>G (NM_001083605.3, NM_001083604.3, NM_001083606.3 and 1 more transcripts).
Identifiers: ClinVar variation 1797240 (VCV001797240.3), dbSNP rs1420234283, ClinGen allele CA1127000031.
Genomic context (GRCh38, chr9:95,458,296, plus strand): 5'-CGCAAGCCGTTGAGGTAGAAAGGGAACTGGGCATACTCGATGGGCTCTGCTGCCGGGACT[G>C]GACAGAGAAGGGCACAGGTTAGGAGCAGCCCAGGGTAGAAGAGCATCACAGTTTCAATGG-3'

ClinVar aggregate classification (germline): Uncertain significance (1 of 4 stars; one submission).

Conditions:
Hereditary cancer-predisposing syndrome. Also called: Tumor predisposition; Hereditary Cancer Syndrome; Neoplastic Syndromes, Hereditary; Hereditary neoplastic syndrome. Identifiers: Orphanet 140162, MedGen C0027672, MeSH D009386, MONDO:0015356.

Allele frequency attached by ClinVar (database versions not stated): gnomAD 0.00001.
gnomAD v4.1: 1 of 1,613,296 alleles (0.000062%); highest among the groups gnomAD compares: Non-Finnish European, 0.000085%; no homozygotes.

Submission:

Ambry Genetics
Classification: Uncertain significance for Hereditary cancer-predisposing syndrome. Last evaluated: 2022-07-07. Review status: criteria provided, single submitter. Criteria: Ambry Variant Classification Scheme 2023. Collection method: clinical testing. Allele origin: germline.
Comment: The c.2888-3C>G intronic variant results from a C to G substitution 3 nucleotides before coding exon 18 in the PTCH1 gene. This nucleotide position is well conserved in available vertebrate species. In silico splice site analysis predicts that this alteration will result in the creation or strengthening of a novel splice acceptor site; however, direct evidence is insufficient at this time (Ambry internal data). Since supporting evidence is limited at this time, the clinical significance of this alteration remains unclear.